The following is an entry in ClinVar:

ClinVar aggregate classification (germline): Uncertain significance (1 of 4 stars; one submission).

Conditions:
Neurofibromatosis, type 1 (NF1). Also called: Neurofibromatosis, type I; VON RECKLINGHAUSEN DISEASE; Peripheral type neurofibromatosis; NEUROFIBROMATOSIS, TYPE I, SOMATIC. Identifiers: Orphanet 636, MedGen C0027831, MONDO:0018975, OMIM 162200. Disease mechanism: loss of function.

Submission:

Labcorp Genetics (formerly Invitae), Labcorp
Classification: Uncertain significance for Neurofibromatosis, type 1. Last evaluated: 2022-07-25. Review status: criteria provided, single submitter. Criteria: Invitae Variant Classification Sherloc (09022015). Collection method: clinical testing. Allele origin: germline.
Comment: This sequence change replaces alanine, which is neutral and non-polar, with threonine, which is neutral and polar, at codon 138 of the NF1 protein (p.Ala138Thr). This variant is not present in population databases (gnomAD no frequency). This variant has not been reported in the literature in individuals affected with NF1-related conditions. ClinVar contains an entry for this variant (Variation ID: 849841). Advanced modeling of protein sequence and biophysical properties (such as structural, functional, and spatial information, amino acid conservation, physicochemical variation, residue mobility, and thermodynamic stability) performed at Invitae indicates that this missense variant is expected to disrupt NF1 protein function. In summary, the available evidence is currently insufficient to determine the role of this variant in disease. Therefore, it has been classified as a Variant of Uncertain Significance.

NM_001042492.3(NF1):c.412G>A (p.Ala138Thr)

Gene: NF1 (neurofibromin 1; plus strand). Cytogenetic location: 17q11.2.
Variant type: single nucleotide variant.
Coding change: c.412G>A on transcript NM_001042492.3 (MANE Select); coding-DNA position 412, G replaced by A.
Protein change: p.Ala138Thr; replaces alanine 138 with threonine.
Molecular consequence: missense variant.
Genome position (GRCh38, 1-based): chr17:31,163,309, G>A. VCF-style: chr17-31163309-G-A. GRCh37 (hg19) VCF-style: chr17-29490327-G-A.
Other names: c.412G>A, p.Ala138Thr (NM_000267.4, NM_001128147.3); short protein forms A138T.
Identifiers: ClinVar variation 849841 (VCV000849841.6), dbSNP rs1597635936, ClinGen allele CA398981895.